The following is an entry in ClinVar:

NM_000083.3(CLCN1):c.100G>T (p.Gly34Ter)

Gene: CLCN1 (chloride voltage-gated channel 1; plus strand). Cytogenetic location: 7q34.
Variant type: single nucleotide variant.
Coding change: c.100G>T on transcript NM_000083.3 (MANE Select); coding-DNA position 100, G replaced by T.
Protein change: p.Gly34Ter; replaces glycine 34 with a stop codon.
Molecular consequence: nonsense. On other transcripts: non-coding transcript variant (1).
Genome position (GRCh38, 1-based): chr7:143,316,312, G>T. VCF-style: chr7-143316312-G-T. GRCh37 (hg19) VCF-style: chr7-143013405-G-T.
Other names: short protein forms G34*.
Identifiers: ClinVar variation 4850875 (VCV004850875.1).
Genomic context (GRCh38, chr7:143,316,312, plus strand): 5'-AGCTGGTGGGGTAGTGACCCCCAGTACCAGTATATGCCCTTTGAACACTGCACCAGCTAC[G>T]GACTGCCCTCTGAGAATGGGGGCCTCCAGCACAGGCTCCGGAAGGATGCAGGCCCCCGCC-3'

ClinVar aggregate classification (germline): Likely pathogenic (1 of 4 stars; one submission).

Conditions:
Skeletal muscle channelopathy.

gnomAD v4.1: 10 of 1,613,746 alleles (0.00062%); highest among the groups gnomAD compares: Non-Finnish European, 0.00076%; no homozygotes.

Submission:

Genetics Laboratory, Great Ormond Street Hospital NHS Foundation Trust, North Thames Genomic Laboratory Hub
Classification: Likely pathogenic for Skeletal muscle channelopathy. Last evaluated: 2026-03-17. Review status: criteria provided, single submitter. Criteria: ACGS Best Practice Guidelines for Variant Classification in Rare Disease 2024 v1.2. Collection method: clinical testing. Allele origin: germline. Affected: yes.
Comment: PM2_moderate, PVS1_strong